The following is an entry in ClinVar:

NM_012082.4(ZFPM2):c.895C>G (p.Pro299Ala)

Genes: ZFPM2 (zinc finger protein, FOG family member 2; plus strand), ZFPM2-AS1 (ZFPM2 antisense RNA 1; minus strand). Cytogenetic location: 8q23.1.
Variant type: single nucleotide variant.
Coding change: c.895C>G on transcript NM_012082.4 (MANE Select); coding-DNA position 895, C replaced by G.
Protein change: p.Pro299Ala; replaces proline 299 with alanine.
Molecular consequence: missense variant.
Genome position (GRCh38, 1-based): chr8:105,798,879, C>G. VCF-style: chr8-105798879-C-G. GRCh37 (hg19) VCF-style: chr8-106811107-C-G.
Other names: c.736C>G, p.Pro246Ala (NM_001362836.2); c.499C>G, p.Pro167Ala (NM_001362837.2); short protein forms P167A, P246A, P299A.
Identifiers: ClinVar variation 4804047 (VCV004804047.1).

ClinVar aggregate classification (germline): Uncertain significance (1 of 4 stars; one submission).

Conditions:
46,XY sex reversal 9 (SRXY9). Also called: 46,XY SEX REVERSAL, ZFPM2-RELATED. Identifiers: Orphanet 251510, MedGen C4015129, MONDO:0014480, OMIM 616067.

gnomAD v4.1: 31 of 1,613,784 alleles (0.0019%); highest among the groups gnomAD compares: African/African-American, 0.004%; no homozygotes.

Submission:

Labcorp Genetics (formerly Invitae), Labcorp
Classification: Uncertain significance for 46,XY sex reversal 9. Last evaluated: 2025-07-30. Review status: criteria provided, single submitter. Criteria: Invitae Variant Classification Sherloc (09022015). Collection method: clinical testing. Allele origin: germline.
Comment: This sequence change replaces proline, which is neutral and non-polar, with alanine, which is neutral and non-polar, at codon 299 of the ZFPM2 protein (p.Pro299Ala). This variant is present in population databases (rs752653109, gnomAD 0.008%). This variant has not been reported in the literature in individuals affected with ZFPM2-related conditions. An algorithm developed to predict the effect of missense changes on protein structure and function (PolyPhen-2) suggests that this variant is likely to be disruptive. In summary, the available evidence is currently insufficient to determine the role of this variant in disease. Therefore, it has been classified as a Variant of Uncertain Significance.